The following is an entry in ClinVar:

NM_173728.4(ARHGEF15):c.1366C>T (p.Arg456Cys)

Gene: ARHGEF15 (Rho guanine nucleotide exchange factor 15; plus strand). Cytogenetic location: 17p13.1.
Variant type: single nucleotide variant.
Coding change: c.1366C>T on transcript NM_173728.4 (MANE Select); coding-DNA position 1366, C replaced by T.
Protein change: p.Arg456Cys; replaces arginine 456 with cysteine.
Molecular consequence: missense variant.
Genome position (GRCh38, 1-based): chr17:8,315,519, C>T. VCF-style: chr17-8315519-C-T. GRCh37 (hg19) VCF-style: chr17-8218837-C-T.
Other names: c.1366C>T, p.Arg456Cys (NM_025014.2); short protein forms R456C.
Identifiers: ClinVar variation 954732 (VCV000954732.11), dbSNP rs757084863, ClinGen allele CA287571686.

ClinVar aggregate classification (germline): Uncertain significance. Review status: criteria provided, multiple submitters, no conflicts (2 of 4 stars). 2 submissions from 2 submitters: Uncertain significance (2). Last evaluated 2025-08-29.

Conditions:
Early-infantile DEE. Also called: Early infantile epileptic encephalopathy; Ohtahara syndrome; Early infantile epileptic encephalopathy with suppression bursts. Identifiers: Orphanet 1934, MedGen C0393706, MONDO:0800491.

Allele frequency attached by ClinVar (database versions not stated): gnomAD 0.00001; TOPMed 0.00003.
gnomAD v4.1: 11 of 1,612,276 alleles (0.00068%); highest among the groups gnomAD compares: Admixed American, 0.0033%; no homozygotes.

Submissions (2):

Labcorp Genetics (formerly Invitae), Labcorp
Classification: Uncertain significance for Early-infantile DEE. Last evaluated: 2025-08-29. Review status: criteria provided, single submitter. Criteria: Invitae Variant Classification Sherloc (09022015). Collection method: clinical testing. Allele origin: germline.
Comment: This sequence change replaces arginine, which is basic and polar, with cysteine, which is neutral and slightly polar, at codon 456 of the ARHGEF15 protein (p.Arg456Cys). This variant is present in population databases (no rsID available, gnomAD 0.006%). This variant has not been reported in the literature in individuals affected with ARHGEF15-related conditions. ClinVar contains an entry for this variant (Variation ID: 954732). An algorithm developed to predict the effect of missense changes on protein structure and function (PolyPhen-2) suggests that this variant is likely to be disruptive. In summary, the available evidence is currently insufficient to determine the role of this variant in disease. Therefore, it has been classified as a Variant of Uncertain Significance.

Ambry Genetics
Classification: Uncertain significance. Last evaluated: 2024-05-30. Review status: criteria provided, single submitter. Criteria: Ambry Variant Classification Scheme 2023. Collection method: clinical testing. Allele origin: germline.